The following is an entry in ClinVar:

ClinVar aggregate classification (germline): Likely benign (0 of 4 stars; one submission).

Conditions:
SCN4A-related disorder. Also called: SCN4A-related disorders.

Submission:

PreventionGenetics, part of Exact Sciences
Classification: Likely benign for SCN4A-related condition. Last evaluated: 2023-07-13. Review status: no assertion criteria provided. Collection method: clinical testing. Allele origin: germline.
Comment: This variant is classified as likely benign based on ACMG/AMP sequence variant interpretation guidelines (Richards et al. 2015 PMID: 25741868, with internal and published modifications).

NM_000334.4(SCN4A):c.117G>T (p.Leu39=)

Gene: SCN4A (sodium voltage-gated channel alpha subunit 4; minus strand). Cytogenetic location: 17q23.3.
Variant type: single nucleotide variant.
Coding change: c.117G>T on transcript NM_000334.4 (MANE Select); coding-DNA position 117, G replaced by T.
Protein change: p.Leu39=; no amino-acid change (leucine 39 retained).
Molecular consequence: synonymous variant.
Genome position (GRCh38, 1-based): chr17:63,972,725, C>A on the plus strand (G>T on the coding strand, the complement: SCN4A is on the minus strand). VCF-style: chr17-63972725-C-A. GRCh37 (hg19) VCF-style: chr17-62050085-C-A.
Identifiers: ClinVar variation 3045428 (VCV003045428.2), dbSNP rs2509325725, ClinGen allele CA501227190.